The following is an entry in ClinVar:

NM_001244008.2(KIF1A):c.4631C>T (p.Ala1544Val)

Gene: KIF1A (kinesin family member 1A; minus strand). Cytogenetic location: 2q37.3.
Variant type: single nucleotide variant.
Coding change: c.4631C>T on transcript NM_001244008.2 (MANE Select); coding-DNA position 4631, C replaced by T.
Protein change: p.Ala1544Val; replaces alanine 1544 with valine.
Molecular consequence: missense variant.
Genome position (GRCh38, 1-based): chr2:240,722,490, G>A on the plus strand (C>T on the coding strand, the complement: KIF1A is on the minus strand). VCF-style: chr2-240722490-G-A. GRCh37 (hg19) VCF-style: chr2-241661907-G-A.
Other names: c.4355C>T, p.Ala1452Val (NM_001320705.2, NM_001379649.1); c.4382C>T, p.Ala1461Val (NM_001330289.2); c.4430C>T, p.Ala1477Val (NM_001330290.2, NM_001379648.1); c.4706C>T, p.Ala1569Val (NM_001379631.1); c.4607C>T, p.Ala1536Val (NM_001379632.1); c.4604C>T, p.Ala1535Val (NM_001379633.1, NM_001379645.1); c.4457C>T, p.Ala1486Val (NM_001379634.1); c.4454C>T, p.Ala1485Val (NM_001379635.1, NM_001379646.1); and 7 more; short protein forms A1442V, A1451V, A1452V, A1461V, A1443V, A1486V, A1468V, A1481V.
Identifiers: ClinVar variation 2933620 (VCV002933620.3), dbSNP rs2536698558, ClinGen allele CA351303690.

ClinVar aggregate classification (germline): Uncertain significance (1 of 4 stars; one submission).

Conditions:
Neuropathy, hereditary sensory, type 2C. Also called: Hereditary sensory and autonomic neuropathy type IIC; KIF1A-Related HSAN2 (HSAN2C). Identifiers: Orphanet 970, MedGen C3280168, MONDO:0013634, OMIM 614213.
Hereditary spastic paraplegia 30. Identifiers: Orphanet 101010, MedGen C5235139, MONDO:0012476.
Intellectual disability, autosomal dominant 9 (NESCAVS). Also called: NESCAV SYNDROME; KIF1A-Related Neurodevelopmental Disorder. Identifiers: Orphanet 662367, MedGen C5393830, MONDO:0013656, OMIM 614255.

Submission:

Labcorp Genetics (formerly Invitae), Labcorp
Classification: Uncertain significance for Hereditary spastic paraplegia 30; Neuropathy, hereditary sensory, type 2C; Intellectual disability, autosomal dominant 9. Last evaluated: 2022-10-30. Review status: criteria provided, single submitter. Criteria: Invitae Variant Classification Sherloc (09022015). Collection method: clinical testing. Allele origin: germline.
Comment: In summary, the available evidence is currently insufficient to determine the role of this variant in disease. Therefore, it has been classified as a Variant of Uncertain Significance. Advanced modeling of protein sequence and biophysical properties (such as structural, functional, and spatial information, amino acid conservation, physicochemical variation, residue mobility, and thermodynamic stability) performed at Invitae indicates that this missense variant is not expected to disrupt KIF1A protein function. This variant has not been reported in the literature in individuals affected with KIF1A-related conditions. This variant is not present in population databases (gnomAD no frequency). This sequence change replaces alanine, which is neutral and non-polar, with valine, which is neutral and non-polar, at codon 1443 of the KIF1A protein (p.Ala1443Val).